The following is an entry in ClinVar:

NM_173348.2(FAM149B1):c.660C>A (p.Ile220=)

Gene: FAM149B1 (family with sequence similarity 149 member B1; plus strand). Cytogenetic location: 10q22.2.
Variant type: single nucleotide variant.
Coding change: c.660C>A on transcript NM_173348.2 (MANE Select); coding-DNA position 660, C replaced by A.
Protein change: p.Ile220=; no amino-acid change (isoleucine 220 retained).
Molecular consequence: synonymous variant.
Genome position (GRCh38, 1-based): chr10:73,208,736, C>A. VCF-style: chr10-73208736-C-A. GRCh37 (hg19) VCF-style: chr10-74968494-C-A.
Identifiers: ClinVar variation 2672401 (VCV002672401.23), dbSNP rs138940606, ClinGen allele CA5552864.
Genomic context (GRCh38, chr10:73,208,736, plus strand): 5'-TTCCATTGCCAAATCCTCCAGCTTTTGTTCTATGGAAAGAGATGAGGAAGACTCTATAAT[C>A]GTCTCAGAAGGAATAATTGAGGAATACCTAGCATTCGATCACATAGATATGTGAGTATTA-3'
Protein context (NP_775483.1, residues 210-230): SMERDEEDSI[Ile220=]VSEGIIEEYL

ClinVar aggregate classification (germline): Likely benign (1 of 4 stars; one submission).

gnomAD v4.1: 64 of 1,542,690 alleles (0.0041%); highest among the groups gnomAD compares: Middle Eastern, 0.13%; no homozygotes.

Submission:

CeGaT Center for Human Genetics Tuebingen
Classification: Likely benign. Last evaluated: 2025-12-01. Review status: criteria provided, single submitter. Criteria: CeGaT Center For Human Genetics Tuebingen Variant Classification Criteria Version 2. Collection method: clinical testing. Allele origin: germline. Affected: yes. Observed: 2 variant alleles.
Comment: FAM149B1: BP4, BP7